The following is an entry in ClinVar:

ClinVar aggregate classification (germline): Uncertain significance. Review status: criteria provided, multiple submitters, no conflicts (2 of 4 stars). 2 submissions from 2 submitters: Uncertain significance (2). Last evaluated 2024-01-04.

Conditions:
Nicolaides-Baraitser syndrome (NCBRS). Also called: SMARCA2-Related Nicolaides-Baraitser Syndrome; Intellectual disability-sparse hair-brachydactyly syndrome. Identifiers: Orphanet 3051, MedGen C1303073, MONDO:0011053, OMIM 601358.
Blepharophimosis-impaired intellectual development syndrome. Identifiers: Orphanet 637013, MedGen C5443984, MONDO:0859139, OMIM 619293.

Submissions (2):

Fulgent Genetics
Classification: Uncertain significance for Nicolaides-Baraitser syndrome; Blepharophimosis-impaired intellectual development syndrome. Last evaluated: 2024-01-04. Review status: criteria provided, single submitter. Criteria: ACMG Guidelines, 2015. Collection method: clinical testing. Allele origin: germline.

Labcorp Genetics (formerly Invitae), Labcorp
Classification: Uncertain significance. Last evaluated: 2023-06-29. Review status: criteria provided, single submitter. Criteria: Invitae Variant Classification Sherloc (09022015). Collection method: clinical testing. Allele origin: germline.
Comment: In summary, the available evidence is currently insufficient to determine the role of this variant in disease. Therefore, it has been classified as a Variant of Uncertain Significance. An algorithm developed to predict the effect of missense changes on protein structure and function (PolyPhen-2) suggests that this variant is likely to be disruptive. This variant has not been reported in the literature in individuals affected with SMARCA2-related conditions. This variant is not present in population databases (gnomAD no frequency). This sequence change replaces aspartic acid, which is acidic and polar, with valine, which is neutral and non-polar, at codon 1153 of the SMARCA2 protein (p.Asp1153Val).

NM_003070.5(SMARCA2):c.3458A>T (p.Asp1153Val)

Gene: SMARCA2 (SWI/SNF related BAF chromatin remodeling complex subunit ATPase 2; plus strand). Cytogenetic location: 9p24.3.
Variant type: single nucleotide variant.
Coding change: c.3458A>T on transcript NM_003070.5 (MANE Select); coding-DNA position 3458, A replaced by T.
Protein change: p.Asp1153Val; replaces aspartic acid 1153 with valine.
Molecular consequence: missense variant.
Genome position (GRCh38, 1-based): chr9:2,115,823, A>T. VCF-style: chr9-2115823-A-T. GRCh37 (hg19) VCF-style: chr9-2115823-A-T.
Other names: c.3458A>T, p.Asp1153Val (NM_001289396.2, NM_139045.4); c.3284A>T, p.Asp1095Val (NM_001289397.2); short protein forms D1095V, D1153V.
Identifiers: ClinVar variation 2727750 (VCV002727750.4), dbSNP rs2537404195, ClinGen allele CA372788581.